The following is an entry in ClinVar:

NM_003072.5(SMARCA4):c.935C>T (p.Ser312Phe)

Gene: SMARCA4 (SWI/SNF related BAF chromatin remodeling complex subunit ATPase 4; plus strand). Cytogenetic location: 19p13.2.
Variant type: single nucleotide variant.
Coding change: c.935C>T on transcript NM_003072.5 (MANE Select); coding-DNA position 935, C replaced by T.
Protein change: p.Ser312Phe; replaces serine 312 with phenylalanine.
Molecular consequence: missense variant. On other transcripts: non-coding transcript variant (1).
Genome position (GRCh38, 1-based): chr19:10,987,741, C>T. VCF-style: chr19-10987741-C-T. GRCh37 (hg19) VCF-style: chr19-11098417-C-T.
Other names: c.935C>T, p.Ser312Phe (NM_001128844.3, NM_001128845.2, NM_001128846.2 and 6 more transcripts); short protein forms S312F.
Identifiers: ClinVar variation 1766675 (VCV001766675.2), dbSNP rs767826277, ClinGen allele CA9203634.

ClinVar aggregate classification (germline): Uncertain significance (1 of 4 stars; one submission).

Conditions:
Hereditary cancer-predisposing syndrome. Also called: Hereditary Cancer Syndrome; Hereditary neoplastic syndrome; Neoplastic Syndromes, Hereditary; Tumor predisposition. Identifiers: Orphanet 140162, MedGen C0027672, MeSH D009386, MONDO:0015356.

Allele frequency attached by ClinVar (database versions not stated): ExAC 0.00001.
gnomAD v4.1: 2 of 1,600,354 alleles (0.00012%); no homozygotes.

Submission:

Ambry Genetics
Classification: Uncertain significance for Hereditary cancer-predisposing syndrome. Last evaluated: 2021-11-01. Review status: criteria provided, single submitter. Criteria: Ambry Variant Classification Scheme 2023. Collection method: clinical testing. Allele origin: germline.
Comment: The p.S312F variant (also known as c.935C>T), located in coding exon 5 of the SMARCA4 gene, results from a C to T substitution at nucleotide position 935. The serine at codon 312 is replaced by phenylalanine, an amino acid with highly dissimilar properties. This amino acid position is highly conserved in available vertebrate species. In addition, the in silico prediction for this alteration is inconclusive. Missense and in-frame variants in SMARCA4 are known to cause neurodevelopmental disorders; however, such associations with rhabdoid tumor predisposition syndrome including small cell carcinoma of the ovary-hypercalcemic type (SCCOHT) are exceedingly rare (Kosho T et al. Am J Med Genet C Semin Med Genet. 2014 Sep;166C(3):262-75; Jelinic P et al. Nat Genet. 2014 May;46(5):424-6). Since supporting evidence is limited at this time, the clinical significance of this alteration remains unclear.